The following is an entry in ClinVar:

ClinVar aggregate classification (germline): Uncertain significance (1 of 4 stars; one submission).

Conditions:
Immunodeficiency, common variable, 2 (CVID2). Also called: HYPOGAMMAGLOBULINEMIA DUE TO TACI DEFICIENCY; ANTIBODY DEFICIENCY DUE TO TACI DEFECT. Identifiers: Orphanet 1572, MedGen C3150354, MONDO:0009413, OMIM 240500.

gnomAD v4.1: 3 of 1,613,992 alleles (0.00019%); highest among the groups gnomAD compares: Admixed American, 0.0033%; no homozygotes.

Submission:

Labcorp Genetics (formerly Invitae), Labcorp
Classification: Uncertain significance for Immunodeficiency, common variable, 2. Last evaluated: 2025-04-14. Review status: criteria provided, single submitter. Criteria: Invitae Variant Classification Sherloc (09022015). Collection method: clinical testing. Allele origin: germline.
Comment: This sequence change replaces lysine, which is basic and polar, with asparagine, which is neutral and polar, at codon 187 of the TNFRSF13B protein (p.Lys187Asn). This variant is present in population databases (no rsID available, gnomAD 0.006%). This variant has not been reported in the literature in individuals affected with TNFRSF13B-related conditions. ClinVar contains an entry for this variant (Variation ID: 2795332). Invitae Evidence Modeling of protein sequence and biophysical properties (such as structural, functional, and spatial information, amino acid conservation, physicochemical variation, residue mobility, and thermodynamic stability) has been performed for this missense variant. However, the output from this modeling did not meet the statistical confidence thresholds required to predict the impact of this variant on TNFRSF13B protein function. In summary, the available evidence is currently insufficient to determine the role of this variant in disease. Therefore, it has been classified as a Variant of Uncertain Significance.

NM_012452.3(TNFRSF13B):c.561G>C (p.Lys187Asn)

Gene: TNFRSF13B (TNF receptor superfamily member 13B; minus strand). Cytogenetic location: 17p11.2.
Variant type: single nucleotide variant.
Coding change: c.561G>C on transcript NM_012452.3 (MANE Select); coding-DNA position 561, G replaced by C.
Protein change: p.Lys187Asn; replaces lysine 187 with asparagine.
Molecular consequence: missense variant.
Genome position (GRCh38, 1-based): chr17:16,940,396, C>G on the plus strand (G>C on the coding strand, the complement: TNFRSF13B is on the minus strand). VCF-style: chr17-16940396-C-G. GRCh37 (hg19) VCF-style: chr17-16843710-C-G.
Other names: short protein forms K187N.
Identifiers: ClinVar variation 2795332 (VCV002795332.3), dbSNP rs373469090, ClinGen allele CA288283009.